The following is an entry in ClinVar:

ClinVar aggregate classification (germline): Pathogenic (1 of 4 stars; one submission).

Conditions:
CFTR-related disorder (CFTR-RD). Also called: CFTR-related disorders; CFTR-related condition. Identifiers: MedGen C5924204, MONDO:7770004.

Submission:

Natera, Inc.
Classification: Pathogenic for CFTR-related disorders. Last evaluated: 2025-02-21. Review status: criteria provided, single submitter. Criteria: Natera Variant Classification Schema (03/2026). Collection method: clinical testing. Allele origin: germline.
Comment: The c.1731C>G variant in CFTR is a nonsense variant predicted to introduce a stop codon at amino acid 577. This variant is expected to result in nonsense mediated decay, truncation, or a dysfunctional protein product. This variant is rare in the general population with a frequency below the threshold expected for the associated phenotype(s). This variant has been observed in one or more individuals affected with the associated recessive disease, as either homozygous or compound heterozygous with a second variant (PMID: 22299590). Given the available evidence, this variant is classified as Pathogenic.

Literature cited by the submitters: PubMed 22299590.

NM_000492.4(CFTR):c.1731C>G (p.Tyr577Ter)

Gene: CFTR (CF transmembrane conductance regulator; plus strand). Cytogenetic location: 7q31.2.
Variant type: single nucleotide variant.
Coding change: c.1731C>G on transcript NM_000492.4 (MANE Select); coding-DNA position 1731, C replaced by G.
Protein change: p.Tyr577Ter; replaces tyrosine 577 with a stop codon.
Molecular consequence: nonsense.
Genome position (GRCh38, 1-based): chr7:117,590,404, C>G. VCF-style: chr7-117590404-C-G. GRCh37 (hg19) VCF-style: chr7-117230458-C-G.
Other names: short protein forms Y577*.
Identifiers: ClinVar variation 4064584 (VCV004064584.2).